The following is an entry in ClinVar:

ClinVar aggregate classification (germline): Uncertain significance (1 of 4 stars; one submission).

Conditions:
Arrhythmogenic cardiomyopathy with wooly hair and keratoderma. Also called: Carvajal syndrome; PALMOPLANTAR KERATODERMA WITH LEFT VENTRICULAR CARDIOMYOPATHY AND WOOLLY HAIR; Dilated cardiomyopathy with woolly hair and keratoderma; Arrhythmogenic cardiomyopathy with woolly hair and keratoderma. Identifiers: Orphanet 65282, MedGen C1854063, MONDO:0011581, OMIM 605676.
Arrhythmogenic right ventricular dysplasia 8 (ARVD8). Also called: ARRHYTHMOGENIC RIGHT VENTRICULAR DYSPLASIA, FAMILIAL, 8; Arrhythmogenic Right Ventricular Dysplasia/Cardiomyopathy 8; ARRHYTHMOGENIC RIGHT VENTRICULAR CARDIOMYOPATHY 8. Identifiers: MedGen C1843896, MONDO:0011831, OMIM 607450.

Submission:

Labcorp Genetics (formerly Invitae), Labcorp
Classification: Uncertain significance for Dilated cardiomyopathy with woolly hair and keratoderma; Arrhythmogenic right ventricular cardiomyopathy, type 8. Last evaluated: 2019-05-04. Review status: criteria provided, single submitter. Criteria: Invitae Variant Classification Sherloc (09022015). Collection method: clinical testing. Allele origin: germline.
Comment: This sequence change replaces serine with alanine at codon 2257 of the DSP protein (p.Ser2257Ala). The serine residue is highly conserved and there is a moderate physicochemical difference between serine and alanine. This variant is not present in population databases (ExAC no frequency). This variant has not been reported in the literature in individuals with DSP-related conditions. Algorithms developed to predict the effect of missense changes on protein structure and function (SIFT, PolyPhen-2, Align-GVGD) all suggest that this variant is likely to be disruptive, but these predictions have not been confirmed by published functional studies and their clinical significance is uncertain. In summary, the available evidence is currently insufficient to determine the role of this variant in disease. Therefore, it has been classified as a Variant of Uncertain Significance.

NM_004415.4(DSP):c.6769T>G (p.Ser2257Ala)

Gene: DSP (desmoplakin; plus strand). Cytogenetic location: 6p24.3.
Variant type: single nucleotide variant.
Coding change: c.6769T>G on transcript NM_004415.4 (MANE Select); coding-DNA position 6769, T replaced by G.
Protein change: p.Ser2257Ala; replaces serine 2257 with alanine.
Molecular consequence: missense variant.
Genome position (GRCh38, 1-based): chr6:7,584,031, T>G. VCF-style: chr6-7584031-T-G. GRCh37 (hg19) VCF-style: chr6-7584264-T-G.
Other names: c.4972T>G, p.Ser1658Ala (NM_001008844.3); c.5440T>G, p.Ser1814Ala (NM_001319034.2); short protein forms S1658A, S1814A, S2257A.
Identifiers: ClinVar variation 859839 (VCV000859839.1), dbSNP rs1759547079, ClinGen allele CA362691512.